The following is an entry in ClinVar:

NM_006269.2(RP1):c.830_831del (p.Ser277fs)

Gene: RP1 (RP1 axonemal microtubule associated; plus strand). Cytogenetic location: 8q12.1.
Variant type: Deletion.
Coding change: c.830_831del on transcript NM_006269.2 (MANE Select); coding-DNA positions 830 to 831, 2 bases deleted (CT; older notation c.830_831delCT).
Protein change: p.Ser277fs; shifts the reading frame from serine 277.
Molecular consequence: frameshift variant.
Genome position (GRCh38, 1-based): chr8:54,624,712-54,624,713, CT deleted; deleting any 2 consecutive bases within chr8:54,624,711-54,624,713 gives the same sequence; the c. name uses the placement nearest the transcript's 3' end. VCF-style (leftmost placement, unchanged base first): chr8-54624710-TTC-T. GRCh37 (hg19) VCF-style: chr8-55537270-TTC-T.
Other names: short protein forms S277fs.
Identifiers: ClinVar variation 636201 (VCV000636201.5), dbSNP rs1585561400, ClinGen allele CA915945686.

ClinVar aggregate classification (germline): Pathogenic. Review status: criteria provided, single submitter (1 of 4 stars). 2 submissions from 2 submitters: Pathogenic (1). 1 of the submissions does not count toward it. Last evaluated 2023-01-30.

Conditions:
Retinitis pigmentosa (RP). Identifiers: Orphanet 791, MedGen C0035334, MeSH D012174, MONDO:0019200, OMIM 268000. Inheritance: Autosomal dominant, autosomal recessive and X linked inheritance.

Submissions (2):

Labcorp Genetics (formerly Invitae), Labcorp
Classification: Pathogenic. Last evaluated: 2023-01-30. Review status: criteria provided, single submitter. Criteria: Invitae Variant Classification Sherloc (09022015). Collection method: clinical testing. Allele origin: germline.
Comment: For these reasons, this variant has been classified as Pathogenic. This variant disrupts the C-terminus of the RP1 protein. Many variants that disrupt this region have been reported in individuals with either autosomal dominant or autosomal recessive retinitis pigmentosa (PMID: 11527933, 19933189, 29425069, 30027431, 33681214). Therefore, variants that disrupt this region are expected to be disease-causing. ClinVar contains an entry for this variant (Variation ID: 636201). This premature translational stop signal has been observed in individual(s) with retinitis pigmentosa (PMID: 30718709). This variant is not present in population databases (gnomAD no frequency). This sequence change creates a premature translational stop signal (p.Ser277Cysfs*4) in the RP1 gene. While this is not anticipated to result in nonsense mediated decay, it is expected to disrupt the last 1880 amino acid(s) of the RP1 protein.

Department of Clinical Genetics, Copenhagen University Hospital, Rigshospitalet
Classification: Likely pathogenic for Retinitis pigmentosa. Last evaluated: 2018-04-01. Review status: no assertion criteria provided. Collection method: research. Allele origin: unknown. Affected: yes. Study: VeluxRD. Not counted in ClinVar's aggregate classification.

Literature cited by the submitters: PubMed 11527933 (cited by Labcorp Genetics (formerly Invitae), Labcorp); PubMed 19933189 (cited by Labcorp Genetics (formerly Invitae), Labcorp); PubMed 29425069 (cited by Labcorp Genetics (formerly Invitae), Labcorp); PubMed 30027431 (cited by Labcorp Genetics (formerly Invitae), Labcorp); PubMed 33681214 (cited by Labcorp Genetics (formerly Invitae), Labcorp); PubMed 30718709 (cited by Labcorp Genetics (formerly Invitae), Labcorp and Department of Clinical Genetics, Copenhagen University Hospital, Rigshospitalet).